The following is an entry in ClinVar:

NM_013275.6(ANKRD11):c.4205_4206insAA (p.Tyr1402Ter)

Gene: ANKRD11 (ankyrin repeat domain 11; minus strand). Cytogenetic location: 16q24.3.
Variant type: Insertion.
Coding change: c.4205_4206insAA on transcript NM_013275.6 (MANE Select); coding-DNA positions 4205 to 4206, AA inserted.
Protein change: p.Tyr1402Ter; replaces tyrosine 1402 with a stop codon.
Molecular consequence: nonsense.
Genome position: GRCh38 VCF-style: chr16-89282336-G-GTT. GRCh37 (hg19) VCF-style: chr16-89348744-G-GTT.
Other names: NP_037407.4:p.(Tyr1402Ter); c.4205_4206insAA, p.Tyr1402Ter (NM_001256182.2, NM_001256183.2); short protein forms Y1402*.
Identifiers: ClinVar variation 4876222 (VCV004876222.1).

ClinVar aggregate classification (germline): Likely pathogenic (1 of 4 stars; one submission).

Conditions:
KBG syndrome (KBGS). Also called: ANKRD11-Related KBG Syndrome. Identifiers: Orphanet 2332, MedGen C0220687, MONDO:0007846, OMIM 148050.

Submission:

Umrani?ye Training and Research Hospital
Classification: Likely pathogenic for KBG syndrome. Last evaluated: 2026-06-29. Review status: criteria provided, single submitter. Criteria: ACMG Guidelines, 2015. Collection method: clinical testing. Allele origin: germline. Inheritance: Autosomal dominant inheritance. Affected: yes.
Comment: PVS1, PM2

Literature cited by the submitters: PubMed 42808190.